The following is an entry in ClinVar:

NM_000218.3(KCNQ1):c.1424G>C (p.Ser475Thr)

Genes: KCNQ1 (potassium voltage-gated channel subfamily Q member 1; plus strand), KCNQ1OT1 (KCNQ1 opposite strand/antisense transcript 1; minus strand). Cytogenetic location: 11p15.5.
Variant type: single nucleotide variant.
Coding change: c.1424G>C on transcript NM_000218.3 (MANE Select); coding-DNA position 1424, G replaced by C.
Protein change: p.Ser475Thr; replaces serine 475 with threonine.
Molecular consequence: missense variant. On other transcripts: non-coding transcript variant (1).
Genome position (GRCh38, 1-based): chr11:2,661,991, G>C. VCF-style: chr11-2661991-G-C. GRCh37 (hg19) VCF-style: chr11-2683221-G-C.
Other names: c.1328G>C, p.Ser443Thr (NM_001406836.1); c.1154G>C, p.Ser385Thr (NM_001406837.1); c.884G>C, p.Ser295Thr (NM_001406838.1); c.1043G>C, p.Ser348Thr (NM_181798.2); short protein forms S295T, S348T, S385T, S443T, S475T.
Identifiers: ClinVar variation 4758802 (VCV004758802.1).
Genomic context (GRCh38, chr11:2,661,991, plus strand): 5'-TAACGTGCTGTCCCCACACTTTCTCCTCAGTAAGGAAGAGCCCAACACTGCTGGAAGTGA[G>C]CATGCCCCATTTCATGAGAACCAACAGCTTCGCCGAGGACCTGGACCTGGAAGGGGAGAC-3'
Protein context (NP_000209.2, residues 465-485): VRKSPTLLEV[Ser475Thr]MPHFMRTNSF

ClinVar aggregate classification (germline): Uncertain significance (1 of 4 stars; one submission).

Conditions:
Cardiac arrhythmia. Also called: Arrhythmia; Cardiac rhythm disease. Identifiers: MedGen C0003811, MONDO:0007263, HP:0011675.

Submission:

Color Diagnostics, LLC DBA Color Health
Classification: Uncertain significance for Cardiac arrhythmia. Last evaluated: 2025-06-09. Review status: criteria provided, single submitter. Criteria: ACMG Guidelines, 2015. Collection method: clinical testing. Allele origin: germline.
Comment: This missense variant replaces serine with threonine at codon 475 of the KCNQ1 protein. Computational prediction is inconclusive regarding the impact of this variant on protein structure and function. To our knowledge, functional studies have not been reported for this variant. This variant has not been reported in individuals affected with KCNQ1-related disorders in the literature. This variant has not been identified in the general population by the Genome Aggregation Database (gnomAD). The available evidence is insufficient to determine the role of this variant in disease conclusively. Therefore, this variant is classified as a Variant of Uncertain Significance.